The following is an entry in ClinVar:

NM_007126.5(VCP):c.1360-14C>G

Gene: VCP (valosin containing protein; minus strand). Cytogenetic location: 9p13.3.
Variant type: single nucleotide variant.
Coding change: c.1360-14C>G on transcript NM_007126.5 (MANE Select); 14 bases into the intron before coding-DNA position 1360, C replaced by G.
Molecular consequence: intron variant.
Genome position (GRCh38, 1-based): chr9:35,060,937, G>C on the plus strand (C>G on the coding strand, the complement: VCP is on the minus strand). VCF-style: chr9-35060937-G-C. GRCh37 (hg19) VCF-style: chr9-35060934-G-C.
Other names: c.1225-14C>G (NM_001354927.2, NM_001354928.2).
Identifiers: ClinVar variation 260122 (VCV000260122.47), dbSNP rs144304208, ClinGen allele CA5039265.
Genomic context (GRCh38, chr9:35,060,937, plus strand): 5'-ACCACGGTTTCCCGCAGTGCTGATGGGTTACTCTGGCTCAAGGCCCACTAGAAAAGGAGG[G>C]AAAACTGGGGATGAGACTTATCAAGGGAGGGGTCAAAGCACGTATGTGTGTACCTGAGGC-3'

ClinVar aggregate classification (germline): Benign/Likely benign. Review status: criteria provided, multiple submitters, no conflicts (2 of 4 stars). 10 submissions from 9 submitters: Benign (6); Likely benign (1). 3 of the submissions do not count toward it. Last evaluated 2026-09-01.

Conditions:
Frontotemporal dementia and/or amyotrophic lateral sclerosis 6 (FTDALS6). Also called: VCP-Related Amyotrophic Lateral Sclerosis; VCP-Related Amyotrophic Lateral Sclerosis/Frontotemporal Dementia. Identifiers: Orphanet 275872, Orphanet 803, MedGen C5436279, MONDO:0013501, OMIM 613954.
Inclusion body myopathy with Paget disease of bone and frontotemporal dementia. Also called: Inclusion body myopathy with early-onset Paget disease and frontotemporal dementia. Identifiers: Orphanet 52430, MedGen C1833662, MONDO:0000507.
Inclusion body myopathy with Paget disease of bone and frontotemporal dementia type 1. Also called: Inclusion body myopathy with early-onset Paget disease with or without frontotemporal dementia 1; MULTISYSTEM PROTEINOPATHY 1; Inclusion body myopathy with early-onset Paget disease and frontotemporal dementia 1. Identifiers: MedGen C4551951, MONDO:0008178, OMIM 167320.

Allele frequency attached by ClinVar (database versions not stated): 1000 Genomes Project 0.00180; 1000 Genomes Project 30x 0.00203; ExAC 0.00297; gnomAD 0.00306 and 0.00311; TOPMed 0.00332; ESP Exome Variant Server 0.00492.

Submissions (20):

CeGaT Center for Human Genetics Tuebingen
Classification: Benign. Last evaluated: 2026-09-01. Review status: criteria provided, single submitter. Criteria: CeGaT Center For Human Genetics Tuebingen Variant Classification Criteria Version 2. Collection method: clinical testing. Allele origin: germline. Affected: yes. Observed: 49 variant alleles.
Comment: VCP: BS1, BS2

Labcorp Genetics (formerly Invitae), Labcorp
Classification: Benign for Inclusion body myopathy with Paget disease of bone and frontotemporal dementia; Frontotemporal dementia and/or amyotrophic lateral sclerosis 6. Last evaluated: 2026-02-01. Review status: criteria provided, single submitter. Criteria: Invitae Variant Classification Sherloc (09022015). Collection method: clinical testing. Allele origin: germline.

Blueprint Genetics
Classification: Likely benign. Last evaluated: 2024-11-26. Review status: criteria provided, single submitter. Criteria: ACMG Guidelines, 2015. Collection method: clinical testing. Allele origin: germline.

Illumina Laboratory Services, Illumina
Classification: Benign for Inclusion body myopathy with Paget disease of bone and frontotemporal dementia type 1. Last evaluated: 2018-01-13. Review status: criteria provided, single submitter. Criteria: ICSL Variant Classification Criteria 13 December 2019. Collection method: clinical testing. Allele origin: germline.
Comment: This variant was observed in the ICSL laboratory as part of a predisposition screen in an ostensibly healthy population. It had not been previously curated by ICSL or reported in the Human Gene Mutation Database (HGMD: prior to June 1st, 2018), and was therefore a candidate for classification through an automated scoring system. Utilizing variant allele frequency, disease prevalence and penetrance estimates, and inheritance mode, an automated score was calculated to assess if this variant is too frequent to cause the disease. Based on the score and internal cut-off values, a variant classified as benign is not then subjected to further curation. The score for this variant resulted in a classification of benign for this disease.

Illumina Laboratory Services, Illumina
Classification: Benign for Frontotemporal dementia and/or amyotrophic lateral sclerosis 6. Last evaluated: 2018-01-13. Review status: criteria provided, single submitter. Criteria: ICSL Variant Classification Criteria 13 December 2019. Collection method: clinical testing. Allele origin: germline.
Comment: the same text as in the submission from Illumina Laboratory Services, Illumina above.

Breakthrough Genomics
Classification: Benign. Review status: criteria provided, single submitter. Criteria: ACMG Guidelines, 2015. Collection method: not provided. Allele origin: germline. Inheritance: Autosomal dominant inheritance. Affected: yes.

PreventionGenetics, part of Exact Sciences
Classification: Benign. Review status: criteria provided, single submitter. Criteria: ACMG Guidelines, 2015. Collection method: clinical testing. Allele origin: germline.

Clinical Genetics, Academic Medical Center
Classification: Benign. Review status: no assertion criteria provided. Collection method: clinical testing. Allele origin: germline. Affected: yes. Study: VKGL Data-share Consensus. Not counted in ClinVar's aggregate classification.

Dr. Peter K. Rogan Lab, Western University
No classification provided (evidence only). Condition: Familial cancer of breast. Review status: no classification provided. Collection method: in vitro. Allele origin: not applicable. Functional consequence: retained intron. Not counted in ClinVar's aggregate classification.

Dr. Peter K. Rogan Lab, Western University
No classification provided (evidence only). Condition: Cervical cancer. Review status: no classification provided. Collection method: in vitro. Allele origin: not applicable. Functional consequence: retained intron. Not counted in ClinVar's aggregate classification.

Dr. Peter K. Rogan Lab, Western University
No classification provided (evidence only). Condition: Cervical cancer. Review status: no classification provided. Collection method: in vitro. Allele origin: not applicable. Functional consequence: retained intron. Not counted in ClinVar's aggregate classification.

Dr. Peter K. Rogan Lab, Western University
No classification provided (evidence only). Condition: Ovarian serous cystadenocarcinoma. Review status: no classification provided. Collection method: in vitro. Allele origin: not applicable. Functional consequence: retained intron. Not counted in ClinVar's aggregate classification.

Dr. Peter K. Rogan Lab, Western University
No classification provided (evidence only). Condition: Gastric cancer. Review status: no classification provided. Collection method: in vitro. Allele origin: not applicable. Functional consequence: retained intron. Not counted in ClinVar's aggregate classification.

Dr. Peter K. Rogan Lab, Western University
No classification provided (evidence only). Condition: Gastric cancer. Review status: no classification provided. Collection method: in vitro. Allele origin: not applicable. Functional consequence: retained intron. Not counted in ClinVar's aggregate classification.

Dr. Peter K. Rogan Lab, Western University
No classification provided (evidence only). Condition: Uveal melanoma. Review status: no classification provided. Collection method: in vitro. Allele origin: not applicable. Functional consequence: retained intron. Not counted in ClinVar's aggregate classification.

Dr. Peter K. Rogan Lab, Western University
No classification provided (evidence only). Condition: Nonpapillary renal cell carcinoma. Review status: no classification provided. Collection method: in vitro. Allele origin: not applicable. Functional consequence: retained intron. Not counted in ClinVar's aggregate classification.

Dr. Peter K. Rogan Lab, Western University
No classification provided (evidence only). Condition: Lymphoma. Review status: no classification provided. Collection method: in vitro. Allele origin: not applicable. Functional consequence: retained intron. Not counted in ClinVar's aggregate classification.

Dr. Peter K. Rogan Lab, Western University
No classification provided (evidence only). Condition: Ovarian cancer. Review status: no classification provided. Collection method: in vitro. Allele origin: not applicable. Functional consequence: retained intron. Not counted in ClinVar's aggregate classification.

Genome Diagnostics Laboratory, Amsterdam University Medical Center
Classification: Likely benign. Review status: no assertion criteria provided. Collection method: clinical testing. Allele origin: germline. Affected: yes. Study: VKGL Data-share Consensus. Not counted in ClinVar's aggregate classification.

Genome Diagnostics Laboratory, University Medical Center Utrecht
Classification: Benign. Review status: no assertion criteria provided. Collection method: clinical testing. Allele origin: germline. Affected: yes. Study: VKGL Data-share Consensus. Not counted in ClinVar's aggregate classification.